The following is an entry in ClinVar:

ClinVar aggregate classification (germline): Uncertain significance. Review status: criteria provided, single submitter (1 of 4 stars). 2 submissions from 2 submitters: Uncertain significance (1). 1 of the submissions does not count toward it. Last evaluated 2021-08-24.

Conditions:
Primary ciliary dyskinesia. Also called: Ciliary dyskinesia. Identifiers: Orphanet 244, MedGen C0008780, MONDO:0016575, HP:0012265.

Allele frequency attached by ClinVar (database versions not stated): gnomAD exomes below 0.00001; TOPMed 0.00001; gnomAD 0.00002.
gnomAD v4.1: 6 of 1,614,004 alleles (0.00037%); highest among the groups gnomAD compares: Admixed American, 0.01%; no homozygotes.

Submissions (2):

Labcorp Genetics (formerly Invitae), Labcorp
Classification: Uncertain significance for Primary ciliary dyskinesia. Last evaluated: 2021-08-24. Review status: criteria provided, single submitter. Criteria: Invitae Variant Classification Sherloc (09022015). Collection method: clinical testing. Allele origin: germline.
Comment: This sequence change replaces glutamine with histidine at codon 2457 of the DNAH5 protein (p.Gln2457His). The glutamine residue is highly conserved and there is a small physicochemical difference between glutamine and histidine. This variant is not present in population databases (ExAC no frequency). This variant has not been reported in the literature in individuals affected with DNAH5-related conditions. Algorithms developed to predict the effect of missense changes on protein structure and function are either unavailable or do not agree on the potential impact of this missense change (SIFT: "Deleterious"; PolyPhen-2: "Benign"; Align-GVGD: "Class C15"). In summary, the available evidence is currently insufficient to determine the role of this variant in disease. Therefore, it has been classified as a Variant of Uncertain Significance.

Natera, Inc.
Classification: Uncertain significance for Primary ciliary dyskinesia. Last evaluated: 2020-06-11. Review status: no assertion criteria provided. Collection method: clinical testing. Allele origin: germline. Not counted in ClinVar's aggregate classification.

NM_001369.3(DNAH5):c.7371G>C (p.Gln2457His)

Gene: DNAH5 (dynein axonemal heavy chain 5; minus strand). Cytogenetic location: 5p15.2.
Variant type: single nucleotide variant.
Coding change: c.7371G>C on transcript NM_001369.3 (MANE Select); coding-DNA position 7371, G replaced by C.
Protein change: p.Gln2457His; replaces glutamine 2457 with histidine.
Molecular consequence: missense variant.
Genome position (GRCh38, 1-based): chr5:13,811,683, C>G on the plus strand (G>C on the coding strand, the complement: DNAH5 is on the minus strand). VCF-style: chr5-13811683-C-G. GRCh37 (hg19) VCF-style: chr5-13811792-C-G.
Other names: short protein forms Q2457H.
Identifiers: ClinVar variation 1024834 (VCV001024834.10), dbSNP rs1561324970, ClinGen allele CA359189124.
Genomic context (GRCh38, chr5:13,811,683, plus strand): 5'-TCTCTAGAAAGTTGAGCAATTTACCTTCAGAGGAATCAGGCCTTGAAGCATGTTAATGCT[C>G]TGTGTGATGACAAAGGCCTCCAGCACCTCCATCTTGTATTCTAAGTTCTGGATACAGAAG-3'
Protein context (NP_001360.1, residues 2447-2467): MEVLEAFVIT[Gln2457His]SINMLQGLIP